The following is an entry in ClinVar:

NM_198253.3(TERT):c.2240T>C (p.Val747Ala)

Gene: TERT (telomerase reverse transcriptase; minus strand). Cytogenetic location: 5p15.33.
Variant type: single nucleotide variant.
Coding change: c.2240T>C on transcript NM_198253.3 (MANE Select); coding-DNA position 2240, T replaced by C.
Protein change: p.Val747Ala; replaces valine 747 with alanine.
Molecular consequence: missense variant. On other transcripts: non-coding transcript variant (2).
Genome position (GRCh38, 1-based): chr5:1,278,687, A>G on the plus strand (T>C on the coding strand, the complement: TERT is on the minus strand). VCF-style: chr5-1278687-A-G. GRCh37 (hg19) VCF-style: chr5-1278802-A-G.
Other names: c.2240T>C, p.Val747Ala (NM_001193376.3, NM_003219.1); short protein forms V747A.
Identifiers: ClinVar variation 1788280 (VCV001788280.2), dbSNP rs2478267964, ClinGen allele CA359079092.

ClinVar aggregate classification (germline): Uncertain significance (1 of 4 stars; one submission).

Conditions:
Dyskeratosis congenita. Identifiers: Orphanet 1775, MedGen C0265965, MONDO:0015780.

Submission:

Ambry Genetics
Classification: Uncertain significance for Dyskeratosis congenita. Last evaluated: 2016-08-15. Review status: criteria provided, single submitter. Criteria: Ambry Variant Classification Scheme 2023. Collection method: clinical testing. Allele origin: germline.
Comment: The p.V747A variant (also known as c.2240T>C), located in coding exon 6 of the TERT gene, results from a T to C substitution at nucleotide position 2240. The valine at codon 747 is replaced by alanine, an amino acid with similar properties. This variant was not reported in population based cohorts in the following databases: Database of Single Nucleotide Polymorphisms (dbSNP), NHLBI Exome Sequencing Project (ESP), and 1000 Genomes Project. In the ESP, this variant was not observed in 6503 samples (13006 alleles) with coverage at this position. This amino acid position is not well conserved in available vertebrate species. In addition, the in silico prediction for this alteration is inconclusive. Since supporting evidence is limited at this time, the clinical significance of this variant remains unclear.